The following is an entry in ClinVar:

ClinVar aggregate classification (germline): Pathogenic (1 of 4 stars; one submission).

Conditions:
Alport syndrome. Also called: Hemorrhagic familial nephritis; Hemorrhagic hereditary nephritis; Congenital hereditary hematuria. Identifiers: Orphanet 63, MedGen C1567741, MONDO:0018965.

Submission:

Myriad Genetics, Inc.
Classification: Pathogenic for Alport syndrome. Last evaluated: 2025-05-17. Review status: criteria provided, single submitter. Criteria: Myriad Autosomal Dominant, Autosomal Recessive and X-Linked Classification Criteria (2023). Collection method: clinical testing. Allele origin: unknown.
Comment: NM_000092.4(COL4A4):c.4320C>A(Y1440*) is expected to be pathogenic in the context of Alport syndrome, COL4A4-related. This variant is predicted to lead to an abnormal or absent protein product due to the creation of a premature termination codon in COL4A4, a gene where loss-of-function variants are known to be pathogenic. Please note: this variant was assessed in the context of healthy population screening.

NM_000092.5(COL4A4):c.4320C>A (p.Tyr1440Ter)

Gene: COL4A4 (collagen type IV alpha 4 chain; minus strand). Cytogenetic location: 2q36.3.
Variant type: single nucleotide variant.
Coding change: c.4320C>A on transcript NM_000092.5 (MANE Select); coding-DNA position 4320, C replaced by A.
Protein change: p.Tyr1440Ter; replaces tyrosine 1440 with a stop codon.
Molecular consequence: nonsense.
Genome position (GRCh38, 1-based): chr2:227,012,194, G>T on the plus strand (C>A on the coding strand, the complement: COL4A4 is on the minus strand). VCF-style: chr2-227012194-G-T. GRCh37 (hg19) VCF-style: chr2-227876910-G-T.
Other names: short protein forms Y1440*.
Identifiers: ClinVar variation 5014467 (VCV005014467.1).